The following is an entry in ClinVar:

ClinVar aggregate classification (germline): Uncertain significance (1 of 4 stars; one submission).

Submission:

Labcorp Genetics (formerly Invitae), Labcorp
Classification: Uncertain significance. Last evaluated: 2022-08-21. Review status: criteria provided, single submitter. Criteria: Invitae Variant Classification Sherloc (09022015). Collection method: clinical testing. Allele origin: germline.
Comment: In summary, the available evidence is currently insufficient to determine the role of this variant in disease. Therefore, it has been classified as a Variant of Uncertain Significance. This variant disrupts a region of the PDE6A protein in which other variant(s) (p.Glu417Gly) have been observed in individuals with PDE6A-related conditions (PMID: 31370859). This suggests that this is a clinically significant region of the protein, and that variants that disrupt it are likely to be disease-causing. Experimental studies and prediction algorithms are not available or were not evaluated, and the functional significance of this variant is currently unknown. A similar copy number variant has been observed in individual(s) with retinitis pigmentosa (Invitae). This variant is a gross deletion of the genomic region encompassing exon(s) 9 of the PDE6A gene. This variant would be expected to be in-frame, preserving the integrity of the reading frame.

Literature cited by the submitters: PubMed 31370859.

NC_000005.9:g.(?_149278079)_(149280940_?)del

Gene: PDE6A (phosphodiesterase 6A; minus strand). Cytogenetic location: 5q32.
Variant type: Deletion.
Identifiers: ClinVar variation 2423090 (VCV002423090.4).